The following is an entry in ClinVar:

NM_018139.3(DNAAF2):c.1063C>G (p.Arg355Gly)

Gene: DNAAF2 (dynein axonemal assembly factor 2; minus strand). Cytogenetic location: 14q21.3.
Variant type: single nucleotide variant.
Coding change: c.1063C>G on transcript NM_018139.3 (MANE Select); coding-DNA position 1063, C replaced by G.
Protein change: p.Arg355Gly; replaces arginine 355 with glycine.
Molecular consequence: missense variant.
Genome position (GRCh38, 1-based): chr14:49,634,087, G>C on the plus strand (C>G on the coding strand, the complement: DNAAF2 is on the minus strand). VCF-style: chr14-49634087-G-C. GRCh37 (hg19) VCF-style: chr14-50100805-G-C.
Other names: c.1063C>G, p.Arg355Gly (NM_001083908.2); short protein forms R355G.
Identifiers: ClinVar variation 1780981 (VCV001780981.8), dbSNP rs1360393081, ClinGen allele CA389629637.

ClinVar aggregate classification (germline): Uncertain significance. Review status: criteria provided, multiple submitters, no conflicts (2 of 4 stars). 3 submissions from 3 submitters: Uncertain significance (3). Last evaluated 2024-01-26.

Conditions:
Primary ciliary dyskinesia. Also called: Ciliary dyskinesia. Identifiers: Orphanet 244, MedGen C0008780, MONDO:0016575, HP:0012265.

gnomAD v4.1: 2 of 1,540,238 alleles (0.00013%); highest among the groups gnomAD compares: Admixed American, 0.004%; no homozygotes.

Submissions (3):

Blueprint Genetics
Classification: Uncertain significance. Last evaluated: 2024-01-26. Review status: criteria provided, single submitter. Criteria: ACMG Guidelines, 2015. Collection method: clinical testing. Allele origin: germline.

Ambry Genetics
Classification: Uncertain significance for Primary ciliary dyskinesia. Last evaluated: 2022-12-01. Review status: criteria provided, single submitter. Criteria: Ambry Variant Classification Scheme 2023. Collection method: clinical testing. Allele origin: germline.

Labcorp Genetics (formerly Invitae), Labcorp
Classification: Uncertain significance for Primary ciliary dyskinesia. Last evaluated: 2021-12-14. Review status: criteria provided, single submitter. Criteria: Invitae Variant Classification Sherloc (09022015). Collection method: clinical testing. Allele origin: germline.
Comment: In summary, the available evidence is currently insufficient to determine the role of this variant in disease. Therefore, it has been classified as a Variant of Uncertain Significance. Algorithms developed to predict the effect of missense changes on protein structure and function (SIFT, PolyPhen-2, Align-GVGD) all suggest that this variant is likely to be tolerated. This variant has not been reported in the literature in individuals affected with DNAAF2-related conditions. This variant is present in population databases (no rsID available, gnomAD 0.004%). This sequence change replaces arginine, which is basic and polar, with glycine, which is neutral and non-polar, at codon 355 of the DNAAF2 protein (p.Arg355Gly).